The following is an entry in ClinVar:

ClinVar aggregate classification (germline): Uncertain significance (1 of 4 stars; one submission).

Submission:

Labcorp Genetics (formerly Invitae), Labcorp
Classification: Uncertain significance. Last evaluated: 2022-10-17. Review status: criteria provided, single submitter. Criteria: Invitae Variant Classification Sherloc (09022015). Collection method: clinical testing. Allele origin: germline.
Comment: Advanced modeling of protein sequence and biophysical properties (such as structural, functional, and spatial information, amino acid conservation, physicochemical variation, residue mobility, and thermodynamic stability) performed at Invitae indicates that this missense variant is expected to disrupt PUS1 protein function. This sequence change replaces glycine, which is neutral and non-polar, with tryptophan, which is neutral and slightly polar, at codon 253 of the PUS1 protein (p.Gly253Trp). This variant is not present in population databases (gnomAD no frequency). This variant has not been reported in the literature in individuals affected with PUS1-related conditions. In summary, the available evidence is currently insufficient to determine the role of this variant in disease. Therefore, it has been classified as a Variant of Uncertain Significance.

NM_025215.6(PUS1):c.757G>T (p.Gly253Trp)

Gene: PUS1 (pseudouridine synthase 1; plus strand). Cytogenetic location: 12q24.33.
Variant type: single nucleotide variant.
Coding change: c.757G>T on transcript NM_025215.6 (MANE Select); coding-DNA position 757, G replaced by T.
Protein change: p.Gly253Trp; replaces glycine 253 with tryptophan.
Molecular consequence: missense variant.
Genome position (GRCh38, 1-based): chr12:131,941,504, G>T. VCF-style: chr12-131941504-G-T. GRCh37 (hg19) VCF-style: chr12-132426049-G-T.
Other names: c.673G>T, p.Gly225Trp (NM_001002019.3, NM_001002020.3); short protein forms G225W, G253W.
Identifiers: ClinVar variation 2056848 (VCV002056848.4), dbSNP rs191299863, ClinGen allele CA387299115.